The following is an entry in ClinVar:

ClinVar aggregate classification (germline): Benign/Likely benign. Review status: criteria provided, multiple submitters, no conflicts (2 of 4 stars). 7 submissions from 7 submitters: Benign (1); Likely benign (5). 1 of the submissions does not count toward it. Last evaluated 2026-02-02.

Conditions:
Inborn genetic diseases. Identifiers: MedGen C0950123, MeSH D030342.
Baller-Gerold syndrome (BGS). Also called: CRANIOSYNOSTOSIS WITH RADIAL DEFECTS. Identifiers: Orphanet 1225, MedGen C0265308, MONDO:0009039, OMIM 218600.

Allele frequency attached by ClinVar (database versions not stated): gnomAD exomes 0.00045 and 0.00106; ESP Exome Variant Server 0.00099; ExAC 0.00219; gnomAD 0.00427 and 0.00449; TOPMed 0.00448; 1000 Genomes Project 0.00619; 1000 Genomes Project 30x 0.00718.
gnomAD v4.1: 1,325 of 1,583,802 alleles (0.084%); highest among the groups gnomAD compares: African/African-American, 1.4%; 6 homozygotes.

Submissions (7):

Labcorp Genetics (formerly Invitae), Labcorp
Classification: Benign for Baller-Gerold syndrome. Last evaluated: 2026-02-02. Review status: criteria provided, single submitter. Criteria: Invitae Variant Classification Sherloc (09022015). Collection method: clinical testing. Allele origin: germline.

CeGaT Center for Human Genetics Tuebingen
Classification: Likely benign. Last evaluated: 2025-11-01. Review status: criteria provided, single submitter. Criteria: CeGaT Center For Human Genetics Tuebingen Variant Classification Criteria Version 2. Collection method: clinical testing. Allele origin: germline. Affected: yes. Observed: 1 variant allele.
Comment: RECQL4: BP4, BP7, BS1

Blueprint Genetics
Classification: Likely benign. Last evaluated: 2024-11-19. Review status: criteria provided, single submitter. Criteria: ACMG Guidelines, 2015. Collection method: clinical testing. Allele origin: germline.

Ambry Genetics
Classification: Likely benign for Inborn genetic diseases. Last evaluated: 2024-10-02. Review status: criteria provided, single submitter. Criteria: Ambry Variant Classification Scheme 2023. Collection method: clinical testing. Allele origin: germline.

GeneDx
Classification: Likely benign. Last evaluated: 2021-08-26. Review status: criteria provided, single submitter. Criteria: GeneDx Variant Classification Process June 2021. Collection method: clinical testing. Allele origin: germline. Affected: yes.

Breakthrough Genomics
Classification: Likely benign. Review status: criteria provided, single submitter. Criteria: ACMG Guidelines, 2015. Collection method: not provided. Allele origin: germline. Inheritance: Autosomal recessive inheritance. Affected: yes.

Genetic Services Laboratory, University of Chicago
Classification: Benign. Last evaluated: 2022-08-29. Review status: no assertion criteria provided. Collection method: clinical testing. Allele origin: germline. Affected: no. Not counted in ClinVar's aggregate classification.

NM_004260.4(RECQL4):c.195C>G (p.Leu65=)

Gene: RECQL4 (RecQ like helicase 4; minus strand). Cytogenetic location: 8q24.3.
Variant type: single nucleotide variant.
Coding change: c.195C>G on transcript NM_004260.4 (MANE Select); coding-DNA position 195, C replaced by G.
Protein change: p.Leu65=; no amino-acid change (leucine 65 retained).
Molecular consequence: synonymous variant.
Genome position (GRCh38, 1-based): chr8:144,517,432, G>C on the plus strand (C>G on the coding strand, the complement: RECQL4 is on the minus strand). VCF-style: chr8-144517432-G-C. GRCh37 (hg19) VCF-style: chr8-145742816-G-C.
Identifiers: ClinVar variation 239713 (VCV000239713.23), dbSNP rs369163654, ClinGen allele CA4949461.